The following is an entry in ClinVar:

NM_173841.3(IL1RN):c.4G>A (p.Ala2Thr)

Gene: IL1RN (interleukin 1 receptor antagonist; plus strand). Cytogenetic location: 2q14.1.
Variant type: single nucleotide variant.
Coding change: c.4G>A on transcript NM_173841.3; coding-DNA position 4, G replaced by A.
Protein change: p.Ala2Thr; replaces alanine 2 with threonine.
Molecular consequence: missense variant. On other transcripts: 5 prime UTR variant (2).
Genome position (GRCh38, 1-based): chr2:113,118,022, G>A. VCF-style: chr2-113118022-G-A. GRCh37 (hg19) VCF-style: chr2-113875599-G-A.
Other names: c.4G>A, p.Ala2Thr (NM_000577.5); c.-279G>A (NM_001318914.2); c.-216G>A (NM_173843.3); short protein forms A2T.
Identifiers: ClinVar variation 953776 (VCV000953776.9), dbSNP rs1226009223, ClinGen allele CA348292109.

ClinVar aggregate classification (germline): Uncertain significance. Review status: criteria provided, multiple submitters, no conflicts (2 of 4 stars). 2 submissions from 2 submitters: Uncertain significance (2). Last evaluated 2024-10-14.

Conditions:
Sterile multifocal osteomyelitis with periostitis and pustulosis. Also called: CHRONIC RECURRENT MULTIFOCAL OSTEOMYELITIS 2, WITH PERIOSTITIS AND PUSTULOSIS. Identifiers: Orphanet 210115, MedGen C2748507, MONDO:0013021, OMIM 612852.

Allele frequency attached by ClinVar (database versions not stated): gnomAD exomes below 0.00001.
gnomAD v4.1: 4 of 1,598,308 alleles (0.00025%); highest among the groups gnomAD compares: Non-Finnish European, 0.00034%; no homozygotes.

Submissions (2):

Blueprint Genetics
Classification: Uncertain significance. Last evaluated: 2024-10-14. Review status: criteria provided, single submitter. Criteria: ACMG Guidelines, 2015. Collection method: clinical testing. Allele origin: germline.

Labcorp Genetics (formerly Invitae), Labcorp
Classification: Uncertain significance for Sterile multifocal osteomyelitis with periostitis and pustulosis. Last evaluated: 2022-01-28. Review status: criteria provided, single submitter. Criteria: Invitae Variant Classification Sherloc (09022015). Collection method: clinical testing. Allele origin: germline.
Comment: This sequence change replaces alanine, which is neutral and non-polar, with threonine, which is neutral and polar, at codon 2 of the IL1RN protein (p.Ala2Thr). This variant is present in population databases (no rsID available, gnomAD 0.0009%). This variant has not been reported in the literature in individuals affected with IL1RN-related conditions. ClinVar contains an entry for this variant (Variation ID: 953776). Algorithms developed to predict the effect of missense changes on protein structure and function are either unavailable or do not agree on the potential impact of this missense change (SIFT: "Tolerated"; PolyPhen-2: "Not Available"; Align-GVGD: "Class C0"). In summary, the available evidence is currently insufficient to determine the role of this variant in disease. Therefore, it has been classified as a Variant of Uncertain Significance.